The following is an entry in ClinVar:

NM_000443.4(ABCB4):c.3838T>C (p.Ter1280Arg)

Gene: ABCB4 (ATP binding cassette subfamily B member 4; minus strand). Cytogenetic location: 7q21.12.
Variant type: single nucleotide variant.
Coding change: c.3838T>C on transcript NM_000443.4 (MANE Select); coding-DNA position 3838, T replaced by C.
Protein change: p.Ter1280Arg.
Molecular consequence: stop lost.
Genome position (GRCh38, 1-based): chr7:87,402,098, A>G on the plus strand (T>C on the coding strand, the complement: ABCB4 is on the minus strand). VCF-style: chr7-87402098-A-G. GRCh37 (hg19) VCF-style: chr7-87031414-A-G.
Other names: *1280R; *1287R; *1233R; c.3859T>C (NM_018849.2); c.3859T>C, p.Ter1287Arg (NM_018849.3); c.3697T>C, p.Ter1233Arg (NM_018850.3).
Identifiers: ClinVar variation 289975 (VCV000289975.11), dbSNP rs754770911, ClinGen allele CA10606615.

ClinVar aggregate classification (germline): Conflicting classifications of pathogenicity. Review status: criteria provided, conflicting classifications (1 of 4 stars). 6 submissions from 6 submitters: Likely pathogenic (4); Uncertain significance (2). Last evaluated 2026-04-14.

Conditions:
Progressive familial intrahepatic cholestasis type 3. Also called: Low Gamma-GT Familial Intrahepatic Cholestasis; MDR3 DEFICIENCY. Identifiers: Orphanet 79305, MedGen C1865643, MONDO:0011214, OMIM 602347.
Low phospholipid associated cholelithiasis (GBD1). Also called: Gallbladder disease 1; Gallstone cholecystitis. Identifiers: Orphanet 69663, MedGen C2609268, MONDO:0010939, OMIM 600803.
Familial intrahepatic cholestasis. Identifiers: Orphanet 284385, MedGen CN296401, MONDO:0017290.

Allele frequency attached by ClinVar (database versions not stated): TOPMed below 0.00001; gnomAD 0.00001; gnomAD exomes 0.00001.
gnomAD v4.1: 10 of 1,614,032 alleles (0.00062%); highest among the groups gnomAD compares: Non-Finnish European, 0.00076%; no homozygotes.

Submissions (6):

Genomenon, Inc
Classification: Likely pathogenic for Familial intrahepatic cholestasis; Low phospholipid associated cholelithiasis. Last evaluated: 2026-04-14. Review status: criteria provided, single submitter. Criteria: Genomenon Sequence Variant Interpretation Standards - Updated. Collection method: curation. Allele origin: germline. Affected: yes.
Comment: ABCB4 p.Ter1280ArgextTer19 (c.3838T>C) is a stop-loss variant that results in a C-terminal protein extension. This variant has been observed in at least one proband with an ABCB4-related disorder (PMID:37697751;23574360;38610052;32893960). It is absent or not present at a significant frequency in gnomAD. In conclusion, we classify ABCB4 p.Ter1280ArgextTer19 (c.3838T>C) as a likely pathogenic variant.

Genesolutions, Medical Genetics Institutes, Ho Chi Minh City, Vietnam
Classification: Likely pathogenic for Progressive familial intrahepatic cholestasis type 3. Last evaluated: 2025-09-24. Review status: criteria provided, single submitter. Criteria: ACMG Guidelines, 2015. Collection method: clinical testing. Allele origin: germline. Affected: yes.

Victorian Clinical Genetics Services, Murdoch Childrens Research Institute
Classification: Likely pathogenic for Low phospholipid associated cholelithiasis. Last evaluated: 2025-04-15. Review status: criteria provided, single submitter. Criteria: ACMG Guidelines, 2015. Collection method: clinical testing. Allele origin: germline. Affected: yes.
Comment: This variant is classified as Likely pathogenic. Evidence in support of pathogenic classification: Variant is predicted to result in an elongated protein; Variant is present in gnomAD <0.01 (v4: 10 heterozygote(s), 0 homozygote(s)); This variant has strong previous evidence of pathogenicity in unrelated individuals. This variant has been classified as likely pathogenic and as a VUS by clinical laboratories in ClinVar, and reported in the literature in one compound heterozygous and three heterozygous individuals with cholestasis/cholelithiasis (PMID: 23574360, 38610052, 32893960, 34961929). An alternate nucleotide substitution resulting in the same amino acid change has also been reported in a homozygous individual with cholestasis (PMID: 31000363). Additional information: This variant is heterozygous; This gene is associated with both recessive and dominant disease. PFIC is inherited in a recessive manner, whereas ICP-3 and LPAC can be either dominant or recessive. Biallelic variants typically demonstrate less residual protein activity, resulting in earlier onset of the condition with a more severe phenotype (OMIM, PMID: 24806754, 32376413); Alternative amino acid change(s) at the same position are present in gnomAD (Highest allele count: v4: 2 heterozygote(s), 0 homozygote(s)); No published functional evidence has been identified for this variant; Another protein-extension variant comparable to the one identified in this case has inconclusive previous evidence for pathogenicity. c.3839G>C; (p.*1280Serext*19) has been classified as a VUS by a clinical laboratory in ClinVar; Loss of function is a known mechanism of disease in this gene and is associated with intrahepatic cholestasis of pregnancy 3 (ICP-3) (MIM#614972), gallbladder disease 1 (low phospholipid-associated cholelithiasis (LPAC)) (MIM#600803) and progressive familial intrahepatic cholestasis 3 (PFIC) (MIM#602347); Inheritance information for this variant is not currently available in this individual.

Rolfs Rare Disease Consulting, Rolfs Consulting Und Verwaltungs GmbH
Classification: Likely pathogenic for Progressive familial intrahepatic cholestasis type 3. Last evaluated: 2019-01-01. Review status: criteria provided, single submitter. Criteria: ACMG Guidelines, 2015. Collection method: clinical testing. Allele origin: germline. Affected: yes.

Eurofins Ntd Llc (ga)
Classification: Uncertain significance. Last evaluated: 2017-11-27. Review status: criteria provided, single submitter. Criteria: EGL Classification Definitions 2015. Collection method: clinical testing. Allele origin: germline. Observed: 2 variant alleles, 2 heterozygotes.

GeneDx
Classification: Uncertain significance. Last evaluated: 2017-01-27. Review status: criteria provided, single submitter. Criteria: GeneDx Variant Classification (06012015). Collection method: clinical testing. Allele origin: germline. Affected: yes.
Comment: The c.3838 T>C variant has been reported previously, using alternate nomenclature, in an individual with progressive familial intrahepatic cholestasis III (Chinnaratha et al. 2013). The c.3838 T>C variant was not observed in approximately 6500 individuals of European and African American ancestry in the NHLBI Exome Sequencing Project, indicating it is not a common benign variant in these populations. The c.3838 T>C nucleotide substitution results in the extension of the protein by 19 new amino acids, denoted p.X1280RextX19. Whether or not this extension affects normal protein function is not known in the absence of RNA/functional studies. In summary, based on the currently available information, it is unclear whether this variant is a pathogenic variant or a rare benign variant.

Literature cited by the submitters: PubMed 37697751 (cited by Genomenon, Inc); PubMed 23574360 (cited by Genomenon, Inc and Victorian Clinical Genetics Services, Murdoch Childrens Research Institute); PubMed 38610052 (cited by Genomenon, Inc and Victorian Clinical Genetics Services, Murdoch Childrens Research Institute); PubMed 32893960 (cited by Genomenon, Inc and Victorian Clinical Genetics Services, Murdoch Childrens Research Institute); PubMed 24806754 (cited by Victorian Clinical Genetics Services, Murdoch Childrens Research Institute); PubMed 31000363 (cited by Victorian Clinical Genetics Services, Murdoch Childrens Research Institute); PubMed 34961929 (cited by Victorian Clinical Genetics Services, Murdoch Childrens Research Institute); PubMed 32376413 (cited by Victorian Clinical Genetics Services, Murdoch Childrens Research Institute).